The following is an entry in ClinVar:

ClinVar aggregate classification (germline): Uncertain significance. Review status: criteria provided, multiple submitters, no conflicts (2 of 4 stars). 2 submissions from 2 submitters: Uncertain significance (2). Last evaluated 2025-10-23.

Conditions:
Atypical hemolytic-uremic syndrome with C3 anomaly. Also called: AHUS, SUSCEPTIBILITY TO, 5. Identifiers: Orphanet 2134, MedGen C2752037, MONDO:0013043, OMIM 612925.
Age related macular degeneration 9. Identifiers: MedGen C1969651, MONDO:0012659, OMIM 611378.
Complement component 3 deficiency. Identifiers: Orphanet 280133, MedGen C3151071, MONDO:0013417, OMIM 613779.

Allele frequency attached by ClinVar (database versions not stated): gnomAD 0.00004 and 0.00005; 1000 Genomes Project 30x 0.00016; 1000 Genomes Project 0.00020.
gnomAD v4.1: 196 of 1,611,996 alleles (0.012%); highest among the groups gnomAD compares: Non-Finnish European, 0.016%; no homozygotes.

Submissions (2):

Labcorp Genetics (formerly Invitae), Labcorp
Classification: Uncertain significance. Last evaluated: 2025-10-23. Review status: criteria provided, single submitter. Criteria: Invitae Variant Classification Sherloc (09022015). Collection method: clinical testing. Allele origin: germline.
Comment: This sequence change replaces arginine, which is basic and polar, with leucine, which is neutral and non-polar, at codon 425 of the C3 protein (p.Arg425Leu). This variant is present in population databases (rs201714568, gnomAD 0.006%). This variant has not been reported in the literature in individuals affected with C3-related conditions. ClinVar contains an entry for this variant (Variation ID: 1406543). Invitae Evidence Modeling of protein sequence and biophysical properties (such as structural, functional, and spatial information, amino acid conservation, physicochemical variation, residue mobility, and thermodynamic stability) indicates that this missense variant is expected to disrupt C3 protein function with a positive predictive value of 80%. In summary, the available evidence is currently insufficient to determine the role of this variant in disease. Therefore, it has been classified as a Variant of Uncertain Significance.

Fulgent Genetics
Classification: Uncertain significance for Age related macular degeneration 9; Atypical hemolytic-uremic syndrome with C3 anomaly; Complement component 3 deficiency. Last evaluated: 2022-05-12. Review status: criteria provided, single submitter. Criteria: ACMG Guidelines, 2015. Collection method: clinical testing. Allele origin: unknown.

NM_000064.4(C3):c.1274G>T (p.Arg425Leu)

Gene: C3 (complement C3; minus strand). Cytogenetic location: 19p13.3.
Variant type: single nucleotide variant.
Coding change: c.1274G>T on transcript NM_000064.4 (MANE Select); coding-DNA position 1274, G replaced by T.
Protein change: p.Arg425Leu; replaces arginine 425 with leucine.
Molecular consequence: missense variant.
Genome position (GRCh38, 1-based): chr19:6,711,192, C>A on the plus strand (G>T on the coding strand, the complement: C3 is on the minus strand). VCF-style: chr19-6711192-C-A. GRCh37 (hg19) VCF-style: chr19-6711203-C-A.
Other names: short protein forms R425L.
Identifiers: ClinVar variation 1406543 (VCV001406543.7), dbSNP rs201714568, ClinGen allele CA9129495.